The following is an entry in ClinVar:

ClinVar aggregate classification (germline): Likely benign. Review status: criteria provided, multiple submitters, no conflicts (2 of 4 stars). 2 submissions from 2 submitters: Likely benign (2). Last evaluated 2026-05-11.

Conditions:
Neurofibromatosis, type 1 (NF1). Also called: VON RECKLINGHAUSEN DISEASE; NEUROFIBROMATOSIS, TYPE I, SOMATIC; Neurofibromatosis, type I; Peripheral type neurofibromatosis. Identifiers: Orphanet 636, MedGen C0027831, MONDO:0018975, OMIM 162200. Disease mechanism: loss of function.

Allele frequency attached by ClinVar (database versions not stated): TOPMed 0.00001; gnomAD 0.00002 and 0.00001.
gnomAD v4.1: 15 of 1,546,958 alleles (0.00097%); highest among the groups gnomAD compares: African/African-American, 0.0014%; no homozygotes.

Submissions (2):

Myriad Genetics, Inc.
Classification: Likely benign for Neurofibromatosis, type 1. Last evaluated: 2026-05-11. Review status: criteria provided, single submitter. Criteria: Myriad Autosomal Dominant, Autosomal Recessive and X-Linked Classification Criteria (2023). Collection method: clinical testing. Allele origin: unknown.
Comment: This variant is considered likely benign. This variant is intronic and is not expected to impact mRNA splicing.

Labcorp Genetics (formerly Invitae), Labcorp
Classification: Likely benign for Neurofibromatosis, type 1. Last evaluated: 2026-01-19. Review status: criteria provided, single submitter. Criteria: Invitae Variant Classification Sherloc (09022015). Collection method: clinical testing. Allele origin: germline.

NM_001042492.3(NF1):c.730+10C>T

Gene: NF1 (neurofibromin 1; plus strand). Cytogenetic location: 17q11.2.
Variant type: single nucleotide variant.
Coding change: c.730+10C>T on transcript NM_001042492.3 (MANE Select); 10 bases into the intron after coding-DNA position 730, C replaced by T.
Molecular consequence: intron variant.
Genome position (GRCh38, 1-based): chr17:31,181,795, C>T. VCF-style: chr17-31181795-C-T. GRCh37 (hg19) VCF-style: chr17-29508813-C-T.
Other names: c.730+10C>T (NM_000267.4, NM_001128147.3).
Identifiers: ClinVar variation 412976 (VCV000412976.11), dbSNP rs750468471, ClinGen allele CA16615563.